The following is an entry in ClinVar:

ClinVar aggregate classification (germline): Likely benign (0 of 4 stars; one submission).

Conditions:
GJC3-related disorder. Also called: GJC3-related condition.

Allele frequency attached by ClinVar (database versions not stated): ExAC 0.00045; 1000 Genomes Project 30x 0.00062; ESP Exome Variant Server 0.00091; 1000 Genomes Project 0.00100; gnomAD 0.00169; TOPMed 0.00203.

Submission:

PreventionGenetics, part of Exact Sciences
Classification: Likely benign for GJC3-related condition. Last evaluated: 2019-08-13. Review status: no assertion criteria provided. Collection method: clinical testing. Allele origin: germline.
Comment: This variant is classified as likely benign based on ACMG/AMP sequence variant interpretation guidelines (Richards et al. 2015 PMID: 25741868, with internal and published modifications).

NM_181538.3(GJC3):c.13T>G (p.Phe5Val)

Gene: GJC3 (gap junction protein gamma 3; minus strand). Cytogenetic location: 7q22.1.
Variant type: single nucleotide variant.
Coding change: c.13T>G on transcript NM_181538.3 (MANE Select); coding-DNA position 13, T replaced by G.
Protein change: p.Phe5Val; replaces phenylalanine 5 with valine.
Molecular consequence: missense variant.
Genome position (GRCh38, 1-based): chr7:99,929,608, A>C on the plus strand (T>G on the coding strand, the complement: GJC3 is on the minus strand). VCF-style: chr7-99929608-A-C. GRCh37 (hg19) VCF-style: chr7-99527231-A-C.
Other names: short protein forms F5V.
Identifiers: ClinVar variation 3052339 (VCV003052339.2), dbSNP rs187126645, ClinGen allele CA4371349.
Genomic context (GRCh38, chr7:99,929,608, plus strand): 5'-GCAAGAGGCGCCCCACGGGGGTGGAGCGCCGGCTCTCCTCCGCCAGCAGCCGCCGCAGGA[A>C]CCTGCCACACATCCTGTTTTGGAGCAGAGGACAAGAGATCAGTGTTGTTCACTGTCCTTC-3'
Protein context (NP_853516.1, residues 1-15): MCGR[Phe5Val]LRRLLAEESR